The following is an entry in ClinVar:

NM_144670.6(A2ML1):c.1236C>T (p.Asp412=)

Gene: A2ML1 (alpha-2-macroglobulin like 1; plus strand). Cytogenetic location: 12p13.31.
Variant type: single nucleotide variant.
Coding change: c.1236C>T on transcript NM_144670.6 (MANE Select); coding-DNA position 1236, C replaced by T.
Protein change: p.Asp412=; no amino-acid change (aspartic acid 412 retained).
Molecular consequence: synonymous variant.
Genome position (GRCh38, 1-based): chr12:8,841,524, C>T. VCF-style: chr12-8841524-C-T. GRCh37 (hg19) VCF-style: chr12-8994120-C-T.
Other names: c.1236C>T (NM_144670.5).
Identifiers: ClinVar variation 511218 (VCV000511218.14), dbSNP rs375780803, ClinGen allele CA6435571.

ClinVar aggregate classification (germline): Likely benign. Review status: criteria provided, multiple submitters, no conflicts (2 of 4 stars). 4 submissions from 4 submitters: Likely benign (3). 1 of the submissions does not count toward it. Last evaluated 2026-01-05.

Conditions:
A2ML1-related disorder. Also called: A2ML1-related condition.

Allele frequency attached by ClinVar (database versions not stated): gnomAD exomes 0.00004 and 0.00008; ExAC 0.00006; ESP Exome Variant Server 0.00008; gnomAD 0.00011; TOPMed 0.00012; 1000 Genomes Project 0.00040; 1000 Genomes Project 30x 0.00047.
gnomAD v4.1: 77 of 1,613,082 alleles (0.0048%); highest among the groups gnomAD compares: African/African-American, 0.023%; no homozygotes.

Submissions (4):

Labcorp Genetics (formerly Invitae), Labcorp
Classification: Likely benign. Last evaluated: 2026-01-05. Review status: criteria provided, single submitter. Criteria: Invitae Variant Classification Sherloc (09022015). Collection method: clinical testing. Allele origin: germline.

Ambry Genetics
Classification: Likely benign. Last evaluated: 2019-06-09. Review status: criteria provided, single submitter. Criteria: Ambry Variant Classification Scheme 2023. Collection method: clinical testing. Allele origin: germline.

GeneDx
Classification: Likely benign. Last evaluated: 2017-08-02. Review status: criteria provided, single submitter. Criteria: GeneDx Variant Classification (06012015). Collection method: clinical testing. Allele origin: germline. Affected: yes.
Comment: This variant is considered likely benign or benign based on one or more of the following criteria: it is a conservative change, it occurs at a poorly conserved position in the protein, it is predicted to be benign by multiple in silico algorithms, and/or has population frequency not consistent with disease.

PreventionGenetics, part of Exact Sciences
Classification: Likely benign for A2ML1-related condition. Last evaluated: 2020-12-15. Review status: no assertion criteria provided. Collection method: clinical testing. Allele origin: germline. Not counted in ClinVar's aggregate classification.
Comment: This variant is classified as likely benign based on ACMG/AMP sequence variant interpretation guidelines (Richards et al. 2015 PMID: 25741868, with internal and published modifications).